The following is an entry in ClinVar:

NM_000214.3(JAG1):c.601C>T (p.Arg201Cys)

Gene: JAG1 (jagged canonical Notch ligand 1; minus strand). Cytogenetic location: 20p12.2.
Variant type: single nucleotide variant.
Coding change: c.601C>T on transcript NM_000214.3 (MANE Select); coding-DNA position 601, C replaced by T.
Protein change: p.Arg201Cys; replaces arginine 201 with cysteine.
Molecular consequence: missense variant.
Genome position (GRCh38, 1-based): chr20:10,658,561, G>A on the plus strand (C>T on the coding strand, the complement: JAG1 is on the minus strand). VCF-style: chr20-10658561-G-A. GRCh37 (hg19) VCF-style: chr20-10639209-G-A.
Other names: c.601C>T, p.Arg201Cys (LRG_1191t1); short protein forms R201C.
Identifiers: ClinVar variation 197123 (VCV000197123.56), dbSNP rs794727618, ClinGen allele CA245082.
Genomic context (GRCh38, chr20:10,658,561, plus strand): 5'-TGCAAGTTTTGTTGCCATTCTGGTCACAGGCATAGTGTCCAAAGAAGTCATCTCTGGGGC[G>A]GCAGAACTTATTGCAGCCAAAGCCATAGTAGTAGTCATCACAGGTCACGCGGATCTGATA-3'
Protein context (NP_000205.1, residues 191-211): YYGFGCNKFC[Arg201Cys]PRDDFFGHYA

ClinVar aggregate classification (germline): Conflicting classifications of pathogenicity. Review status: criteria provided, conflicting classifications (1 of 4 stars). 6 submissions from 6 submitters: Likely pathogenic (1); Uncertain significance (5). Last evaluated 2026-02-12.

Conditions:
JAG1-related disorder. Also called: JAG1-related condition; JAG1-related disorders.
Alagille syndrome due to a JAG1 point mutation. Also called: Alagille Syndrome 1; JAG1-Related Alagille Syndrome; HEPATIC DUCTULAR HYPOPLASIA, SYNDROMATIC. Identifiers: Orphanet 261619, Orphanet 52, MedGen C1956125, MONDO:0016862, OMIM 118450.

gnomAD v4.1: 2 of 1,614,200 alleles (0.00012%); highest among the groups gnomAD compares: Non-Finnish European, 0.00017%; no homozygotes.

Submissions (6):

PreventionGenetics, part of Exact Sciences
Classification: Uncertain significance for JAG1-related condition. Last evaluated: 2026-02-12. Review status: criteria provided, single submitter. Criteria: ACMG Guidelines, 2015. Collection method: clinical testing. Allele origin: germline.
Comment: The JAG1 c.601C>T variant is predicted to result in the amino acid substitution p.Arg201Cys. This variant was reported in an individual with atypical clinical and histopathologic presentation of Alagille syndrome (Wu et al. 2018. PubMed ID: 29187043). This variant has not been reported in a large population database, indicating this variant is rare. Statistical evidence in gnomAD suggests the JAG1 gene is intolerant of missense variation. This variant has conflicting interpretations in ClinVar ranging from uncertain to likely pathogenic (ClinVar ID: 197123). Functional studies in a fruit fly model showed that a similar variant, p.Arg201Ala, could impact normal protein function (Cordle et al. 2008. PubMed ID: 18660822). Although we suspect that the c.601C>T (p.Arg201Cys) variant may be pathogenic, at this time, the clinical significance of this variant is uncertain due to the absence of conclusive functional and genetic evidence.

GeneDx
Classification: Uncertain significance. Last evaluated: 2023-07-24. Review status: criteria provided, single submitter. Criteria: GeneDx Variant Classification Process June 2021. Collection method: clinical testing. Allele origin: germline. Affected: yes.
Comment: Not observed at significant frequency in large population cohorts (gnomAD); In silico analysis supports that this missense variant has a deleterious effect on protein structure/function; This variant is associated with the following publications: (PMID: 29187043)

Labcorp Genetics (formerly Invitae), Labcorp
Classification: Uncertain significance for Alagille syndrome due to a JAG1 point mutation. Last evaluated: 2023-05-01. Review status: criteria provided, single submitter. Criteria: Invitae Variant Classification Sherloc (09022015). Collection method: clinical testing. Allele origin: germline.
Comment: This sequence change replaces arginine, which is basic and polar, with cysteine, which is neutral and slightly polar, at codon 201 of the JAG1 protein (p.Arg201Cys). This variant is not present in population databases (gnomAD no frequency). This missense change has been observed in individual(s) with Alagille syndrome (PMID: 29187043). ClinVar contains an entry for this variant (Variation ID: 197123). Advanced modeling of protein sequence and biophysical properties (such as structural, functional, and spatial information, amino acid conservation, physicochemical variation, residue mobility, and thermodynamic stability) performed at Invitae indicates that this missense variant is expected to disrupt JAG1 protein function. In summary, the available evidence is currently insufficient to determine the role of this variant in disease. Therefore, it has been classified as a Variant of Uncertain Significance.

CeGaT Center for Human Genetics Tuebingen
Classification: Likely pathogenic. Last evaluated: 2020-04-01. Review status: criteria provided, single submitter. Criteria: CeGaT Center For Human Genetics Tuebingen Variant Classification Criteria Version 2. Collection method: clinical testing. Allele origin: germline. Affected: yes. Observed: 3 variant alleles.

Women's Health and Genetics/Laboratory Corporation of America, LabCorp
Classification: Uncertain significance. Last evaluated: 2020-03-24. Review status: criteria provided, single submitter. Criteria: LabCorp Variant Classification Summary - May 2015. Collection method: clinical testing. Allele origin: germline.
Comment: Variant summary: JAG1 c.601C>T (p.Arg201Cys) results in a non-conservative amino acid change located in the disulphide-rich Delta/Serrate/Lag-2 (DSL) protein domain (IPR001774 and Cordle_2008) of the encoded protein sequence. Five of five in-silico tools predict a damaging effect of the variant on protein function. The variant was absent in 251452 control chromosomes (gnomAD). The available data on variant occurrences in the general population are insufficient to allow any conclusion about variant significance. c.601C>T has been reported in the literature in at least one individual with an atypical presentation of Alagille syndrome (Wu_2018). These data do not allow clear conclusions about variant significance. To our knowledge, no experimental evidence demonstrating an impact on protein function has been reported. However, a study investigated a different missense (Arg201Ala) affecting the same residue, and found a partial loss of function, for both in vitro Notch-binding and in vivo signaling in Drosophila (Cordle_2008). These data might support a functional role for the Arg 201 residue. Two clinical diagnostic laboratories have submitted clinical-significance assessments for this variant to ClinVar after 2014 without evidence for independent evaluation, and both of them classified the variant as uncertain significance. Based on the evidence outlined above, the variant was classified as uncertain significance.

Eurofins Ntd Llc (ga)
Classification: Uncertain significance. Last evaluated: 2017-10-05. Review status: criteria provided, single submitter. Criteria: EGL Classification Definitions 2015. Collection method: clinical testing. Allele origin: germline. Observed: 2 variant alleles, 2 heterozygotes.

Literature cited by the submitters: PubMed 29187043 (cited by Labcorp Genetics (formerly Invitae), Labcorp and Women's Health and Genetics/Laboratory Corporation of America, LabCorp); PubMed 18660822 (cited by Women's Health and Genetics/Laboratory Corporation of America, LabCorp).